The following is an entry in ClinVar:

ClinVar aggregate classification (germline): Conflicting classifications of pathogenicity. Review status: criteria provided, conflicting classifications (1 of 4 stars). 5 submissions from 5 submitters: Uncertain significance (3); Likely benign (1). 1 of the submissions does not count toward it. Last evaluated 2024-05-09.

Conditions:
Hereditary cancer-predisposing syndrome. Also called: Hereditary Cancer Syndrome; Hereditary neoplastic syndrome; Neoplastic Syndromes, Hereditary; Tumor predisposition. Identifiers: Orphanet 140162, MedGen C0027672, MeSH D009386, MONDO:0015356.
Hereditary breast ovarian cancer syndrome. Also called: BRCA1- and BRCA2-Associated Hereditary Breast and Ovarian Cancer; Hereditary breast and ovarian cancer syndrome; Hereditary breast and ovarian cancer syndrome (HBOC); Breast and ovarian cancer; Hereditary breast and/or ovarian cancer syndrome; Hereditary breast and ovarian cancer. Identifiers: Orphanet 145, MedGen C0677776, MeSH D061325, MONDO:0003582. Disease mechanism: loss of function.
Breast-ovarian cancer, familial, susceptibility to, 1 (BROVCA1). Also called: BRCA1 Hereditary Breast and Ovarian Cancer; OVARIAN CANCER, SUSCEPTIBILITY TO. Identifiers: Orphanet 145, MedGen C2676676, MONDO:0011450, OMIM 604370. Disease mechanism: loss of function.

Submissions (5):

Ambry Genetics
Classification: Uncertain significance for Hereditary cancer-predisposing syndrome. Last evaluated: 2024-05-09. Review status: criteria provided, single submitter. Criteria: Ambry Variant Classification Scheme 2023. Collection method: clinical testing. Allele origin: germline.
Comment: The p.K1322I variant (also known as c.3965A>T), located in coding exon 9 of the BRCA1 gene, results from an A to T substitution at nucleotide position 3965. The lysine at codon 1322 is replaced by isoleucine, an amino acid with dissimilar properties. This amino acid position is well conserved in available vertebrate species. In addition, the in silico prediction for this alteration is inconclusive. Based on the available evidence, the clinical significance of this variant remains unclear.

Labcorp Genetics (formerly Invitae), Labcorp
Classification: Uncertain significance for Hereditary breast ovarian cancer syndrome. Last evaluated: 2024-01-18. Review status: criteria provided, single submitter. Criteria: Invitae Variant Classification Sherloc (09022015). Collection method: clinical testing. Allele origin: germline.
Comment: This sequence change replaces lysine, which is basic and polar, with isoleucine, which is neutral and non-polar, at codon 1322 of the BRCA1 protein (p.Lys1322Ile). This variant is not present in population databases (gnomAD no frequency). This variant has not been reported in the literature in individuals affected with BRCA1-related conditions. ClinVar contains an entry for this variant (Variation ID: 55060). Advanced modeling of protein sequence and biophysical properties (such as structural, functional, and spatial information, amino acid conservation, physicochemical variation, residue mobility, and thermodynamic stability) performed at Invitae indicates that this missense variant is not expected to disrupt BRCA1 protein function with a negative predictive value of 95%. In summary, the available evidence is currently insufficient to determine the role of this variant in disease. Therefore, it has been classified as a Variant of Uncertain Significance.

University of Washington Department of Laboratory Medicine, University of Washington
Classification: Likely benign for Hereditary cancer-predisposing syndrome. Last evaluated: 2023-03-23. Review status: criteria provided, single submitter. Criteria: Dines et al. (Genet Med. 2020). Collection method: curation. Allele origin: germline.
Comment: Missense variant in a coldspot region where missense variants are very unlikely to be pathogenic (PMID:31911673).

BRCA1 coldspot (exon 11 using historical exon numbering). Reclassification based on statistical prior probability

Quest Diagnostics Nichols Institute San Juan Capistrano
Classification: Uncertain significance. Last evaluated: 2018-01-28. Review status: criteria provided, single submitter. Criteria: Quest Diagnostics criteria. Collection method: clinical testing. Allele origin: germline.

Breast Cancer Information Core (BIC) (BRCA1)
Classification: Uncertain significance for Breast-ovarian cancer, familial 1. Last evaluated: 2004-11-25. Review status: no assertion criteria provided. Collection method: clinical testing. Allele origin: germline. Affected: yes. Observed: 1 variant allele. Not counted in ClinVar's aggregate classification.

NM_007294.4(BRCA1):c.3965A>T (p.Lys1322Ile)

Genes: BRCA1 (BRCA1 DNA repair associated; minus strand), LOC126862571 (BRD4-independent group 4 enhancer GRCh37_chr17:41243136-41244335; plus strand). Cytogenetic location: 17q21.31.
Variant type: single nucleotide variant.
Coding change: c.3965A>T on transcript NM_007294.4 (MANE Select); coding-DNA position 3965, A replaced by T.
Protein change: p.Lys1322Ile; replaces lysine 1322 with isoleucine.
Molecular consequence: missense variant. On other transcripts: intron variant (135).
Genome position (GRCh38, 1-based): chr17:43,091,566, T>A on the plus strand (A>T on the coding strand, the complement: BRCA1 is on the minus strand). VCF-style: chr17-43091566-T-A. GRCh37 (hg19) VCF-style: chr17-41243583-T-A.
Other names: c.3752A>T, p.Lys1251Ile (NM_001407571.1, NM_001407853.1, NM_001407894.1 and 9 more transcripts); c.3965A>T, p.Lys1322Ile (NM_001407581.1, NM_001407582.1, NM_001407583.1 and 30 more transcripts); c.3962A>T, p.Lys1321Ile (NM_001407587.1, NM_001407590.1, NM_001407591.1 and 22 more transcripts); c.3956A>T, p.Lys1319Ile (NM_001407646.1, NM_001407647.1); c.3842A>T, p.Lys1281Ile (NM_001407648.1, NM_001407664.1, NM_001407665.1 and 19 more transcripts); c.3839A>T, p.Lys1280Ile (NM_001407649.1, NM_001407670.1, NM_001407671.1 and 11 more transcripts); c.3887A>T, p.Lys1296Ile (NM_001407653.1, NM_001407654.1, NM_001407655.1 and 4 more transcripts); c.3884A>T, p.Lys1295Ile (NM_001407659.1, NM_001407660.1, NM_001407661.1 and 1 more transcripts); and 41 more; short protein forms K1322I, K1275I, K1210I, K1211I, K1233I, K454I, K1026I, K1274I.
Identifiers: ClinVar variation 55060 (VCV000055060.20), dbSNP rs80357042, ClinGen allele CA002540.